The following is an entry in ClinVar:

NM_006922.4(SCN3A):c.4594A>G (p.Ile1532Val)

Gene: SCN3A (sodium voltage-gated channel alpha subunit 3; minus strand). Cytogenetic location: 2q24.3.
Variant type: single nucleotide variant.
Coding change: c.4594A>G on transcript NM_006922.4 (MANE Select); coding-DNA position 4594, A replaced by G.
Protein change: p.Ile1532Val; replaces isoleucine 1532 with valine.
Molecular consequence: missense variant.
Genome position (GRCh38, 1-based): chr2:165,092,467, T>C on the plus strand (A>G on the coding strand, the complement: SCN3A is on the minus strand). VCF-style: chr2-165092467-T-C. GRCh37 (hg19) VCF-style: chr2-165948977-T-C.
Other names: c.4447A>G, p.Ile1483Val (NM_001081676.2, NM_001081677.2); short protein forms I1483V, I1532V.
Identifiers: ClinVar variation 1008881 (VCV001008881.9), dbSNP rs1685153189, ClinGen allele CA349019267.

ClinVar aggregate classification (germline): Uncertain significance (1 of 4 stars; one submission).

Allele frequency attached by ClinVar (database versions not stated): gnomAD exomes below 0.00001.
gnomAD v4.1: 1 of 1,613,936 alleles (0.000062%); highest among the groups gnomAD compares: African/African-American, 0.0013%; no homozygotes.

Submission:

Labcorp Genetics (formerly Invitae), Labcorp
Classification: Uncertain significance. Last evaluated: 2020-04-14. Review status: criteria provided, single submitter. Criteria: Invitae Variant Classification Sherloc (09022015). Collection method: clinical testing. Allele origin: germline.
Comment: This variant is not present in population databases (ExAC no frequency). This sequence change replaces isoleucine with valine at codon 1532 of the SCN3A protein (p.Ile1532Val). The isoleucine residue is moderately conserved and there is a small physicochemical difference between isoleucine and valine. This variant has not been reported in the literature in individuals with SCN3A-related conditions. In summary, the available evidence is currently insufficient to determine the role of this variant in disease. Therefore, it has been classified as a Variant of Uncertain Significance. Algorithms developed to predict the effect of missense changes on protein structure and function are either unavailable or do not agree on the potential impact of this missense change (SIFT: "Deleterious"; PolyPhen-2: "Probably Damaging"; Align-GVGD: "Class C0").